The following is an entry in ClinVar:

NM_024757.5(EHMT1):c.-5G>C

Genes: EHMT1 (euchromatic histone lysine methyltransferase 1; plus strand), LOC130003135 (ATAC-STARR-seq lymphoblastoid silent region 20636; plus strand). Cytogenetic location: 9q34.3.
Variant type: single nucleotide variant.
Coding change: c.-5G>C on transcript NM_024757.5 (MANE Select); 5 bases upstream of the start codon, G replaced by C.
Molecular consequence: 5 prime UTR variant.
Genome position (GRCh38, 1-based): chr9:137,619,024, G>C. VCF-style: chr9-137619024-G-C. GRCh37 (hg19) VCF-style: chr9-140513476-G-C.
Other names: c.-5G>C (NM_001145527.2, NM_001354263.2, NM_001354611.2); c.-34G>C (NM_001354259.2, NM_001354612.2).
Identifiers: ClinVar variation 2579604 (VCV002579604.1), dbSNP rs1338472731, ClinGen allele CA2579535821.

ClinVar aggregate classification (germline): Uncertain significance (1 of 4 stars; one submission).

gnomAD v4.1: 6 of 972,572 alleles (0.00062%); highest among the groups gnomAD compares: Non-Finnish European, 0.00073%; no homozygotes.

Submission:

GeneDx
Classification: Uncertain significance. Last evaluated: 2023-03-07. Review status: criteria provided, single submitter. Criteria: GeneDx Variant Classification Process June 2021. Collection method: clinical testing. Allele origin: germline. Affected: yes.
Comment: Not observed at significant frequency in large population cohorts (gnomAD); Has not been previously published as pathogenic or benign to our knowledge; In the absence of RNA/functional studies, the actual effect of this sequence change is unknown